The following is an entry in ClinVar:

ClinVar aggregate classification (germline): Likely pathogenic (1 of 4 stars; one submission).

Submission:

GeneDx
Classification: Likely pathogenic. Last evaluated: 2017-12-28. Review status: criteria provided, single submitter. Criteria: GeneDx Variant Classification (06012015). Collection method: clinical testing. Allele origin: germline. Affected: yes.
Comment: The c.1901-1 G>C variant in the MCM2 gene has not been published as a pathogenic variant, nor has it been reported as a benign variant to our knowledge. The c.1901-1 G>C splice site variant destroys the canonical splice acceptor site in intron 11. It is predicted to cause abnormal gene splicing, either leading to an abnormal message that is subject to nonsense-mediated mRNA decay, or to an abnormal protein product if the message is used for protein translation. The variant is not observed in large population cohorts (Lek et al., 2016). In summary, we consider this variant to be likely pathogenic.

NM_004526.4(MCM2):c.1901-1G>C

Gene: MCM2 (minichromosome maintenance complex component 2; plus strand). Cytogenetic location: 3q21.3.
Variant type: single nucleotide variant.
Coding change: c.1901-1G>C on transcript NM_004526.4 (MANE Select); the canonical splice acceptor site of the intron before coding-DNA position 1901, G replaced by C.
Molecular consequence: splice acceptor variant.
Genome position (GRCh38, 1-based): chr3:127,617,968, G>C. VCF-style: chr3-127617968-G-C. GRCh37 (hg19) VCF-style: chr3-127336811-G-C.
Identifiers: ClinVar variation 489243 (VCV000489243.2), dbSNP rs1553743140, ClinGen allele CA354392501.